The following is an entry in ClinVar:

ClinVar aggregate classification (germline): Uncertain significance (1 of 4 stars; one submission).

Submission:

Ambry Genetics
Classification: Uncertain significance. Last evaluated: 2023-08-31. Review status: criteria provided, single submitter. Criteria: Ambry Variant Classification Scheme 2023. Collection method: clinical testing. Allele origin: germline.
Comment: The p.P614A variant (also known as c.1840C>G), located in coding exon 17 of the PRKDC gene, results from a C to G substitution at nucleotide position 1840. The proline at codon 614 is replaced by alanine, an amino acid with highly similar properties. This amino acid position is conserved. In addition, this alteration is predicted to be tolerated by in silico analysis. Since supporting evidence is limited at this time, the clinical significance of this alteration remains unclear.

NM_006904.7(PRKDC):c.1840C>G (p.Pro614Ala)

Gene: PRKDC (protein kinase, DNA-activated, catalytic subunit; minus strand). Cytogenetic location: 8q11.21.
Variant type: single nucleotide variant.
Coding change: c.1840C>G on transcript NM_006904.7 (MANE Select); coding-DNA position 1840, C replaced by G.
Protein change: p.Pro614Ala; replaces proline 614 with alanine.
Molecular consequence: missense variant.
Genome position (GRCh38, 1-based): chr8:47,930,724, G>C on the plus strand (C>G on the coding strand, the complement: PRKDC is on the minus strand). VCF-style: chr8-47930724-G-C. GRCh37 (hg19) VCF-style: chr8-48843284-G-C.
Other names: c.1840C>G, p.Pro614Ala (NM_001081640.2); short protein forms P614A.
Identifiers: ClinVar variation 2624584 (VCV002624584.2), dbSNP rs1589800494, ClinGen allele CA371164734.